The following is an entry in ClinVar:

ClinVar aggregate classification (germline): Uncertain significance (1 of 4 stars; one submission).

Conditions:
Epilepsy, childhood absence, susceptibility to, 1. Also called: Epilepsy, childhood absence 1. Identifiers: Orphanet 64280, MedGen C1838604, MONDO:0020759, OMIM 600131.
Epilepsy, childhood absence, susceptibility to, 5. Identifiers: Orphanet 64280, MedGen C2677087, MONDO:0012843, OMIM 612269.

Submission:

Labcorp Genetics (formerly Invitae), Labcorp
Classification: Uncertain significance for Epilepsy, childhood absence, susceptibility to, 5; Epilepsy, childhood absence, susceptibility to, 1. Last evaluated: 2020-03-27. Review status: criteria provided, single submitter. Criteria: Invitae Variant Classification Sherloc (09022015). Collection method: clinical testing. Allele origin: germline.
Comment: This sequence change falls in intron 7 of the GABRB3 gene. It does not directly change the encoded amino acid sequence of the GABRB3 protein, but it affects a nucleotide within the consensus splice site of the intron. This variant is not present in population databases (ExAC no frequency). This variant has not been reported in the literature in individuals with GABRB3-related conditions. Nucleotide substitutions within the consensus splice site are a relatively common cause of aberrant splicing (PMID: 17576681, 9536098). Algorithms developed to predict the effect of sequence changes on RNA splicing suggest that this variant is not likely to affect RNA splicing, but this prediction has not been confirmed by published transcriptional studies. In summary, the available evidence is currently insufficient to determine the role of this variant in disease. Therefore, it has been classified as a Variant of Uncertain Significance.

Literature cited by the submitters: PubMed 17576681; PubMed 9536098.

NM_000814.6(GABRB3):c.835+6T>C

Gene: GABRB3 (gamma-aminobutyric acid type A receptor subunit beta3; minus strand). Cytogenetic location: 15q12.
Variant type: single nucleotide variant.
Coding change: c.835+6T>C on transcript NM_000814.6 (MANE Select); 6 bases into the intron after coding-DNA position 835, T replaced by C.
Molecular consequence: intron variant.
Genome position (GRCh38, 1-based): chr15:26,567,575, A>G on the plus strand (T>C on the coding strand, the complement: GABRB3 is on the minus strand). VCF-style: chr15-26567575-A-G. GRCh37 (hg19) VCF-style: chr15-26812722-A-G.
Other names: c.835+6T>C (NM_021912.5); c.580+6T>C (NM_001278631.2, NM_001191320.2); c.622+6T>C (NM_001191321.3).
Identifiers: ClinVar variation 1016234 (VCV001016234.8), dbSNP rs1890226391, ClinGen allele CA2165753787.
Genomic context (GRCh38, chr15:26,567,575, plus strand): 5'-AACTCTCTTAATACTGTAATGATACGGTTACTTTACATTTAAATATCACTTAAAAATAGC[A>G]CATACCGAGGGCAACTCTAGCAGCAGATGCATCATAATTGATCCAGAAGGACACCCACGA-3'